The following is an entry in ClinVar:

ClinVar aggregate classification (germline): Uncertain significance (1 of 4 stars; one submission).

Conditions:
Malignant hyperthermia, susceptibility to, 1 (MHS1). Also called: Anesthesia related hyperthermia; Malignant hyperpyrexia; Fulminating hyperpyrexia; Pharmacogenic myopathy; RYR1-Related Malignant Hyperthermia Susceptibility; Malignant hyperthermia suceptibility 1. Identifiers: Orphanet 423, MedGen C2930980, MONDO:0007783, OMIM 145600.

Submission:

All of Us Research Program, National Institutes of Health
Classification: Uncertain significance for Malignant hyperthermia, susceptibility to, 1. Last evaluated: 2023-05-04. Review status: criteria provided, single submitter. Criteria: ACMG Guidelines, 2015. Collection method: clinical testing. Allele origin: germline. Inheritance: Autosomal dominant inheritance. Observed: 1 variant allele, 1 heterozygote.
Comment: This missense variant replaces proline with glutamine at codon 3567 of the RYR1 protein. Computational prediction is inconclusive regarding the impact of this variant on protein structure and function (internally defined REVEL score threshold 0.5 < inconclusive < 0.7, PMID: 27666373). To our knowledge, functional studies have not been reported for this variant. This variant has not been reported in individuals affected with RYR1-related disorders in the literature. This variant has not been identified in the general population by the Genome Aggregation Database (gnomAD). The available evidence is insufficient to determine the role of this variant in disease conclusively. Therefore, this variant is classified as a Variant of Uncertain Significance.

This study involves interpretation of variants in research participants for the purpose of population health screening. Participant phenotype was not available at the time of variant classification. Additional details can be found in publication PMID: 35346344, PMCID: PMC8962531

NM_000540.3(RYR1):c.10700C>A (p.Pro3567Gln)

Gene: RYR1 (ryanodine receptor 1; plus strand). Cytogenetic location: 19q13.2.
Variant type: single nucleotide variant.
Coding change: c.10700C>A on transcript NM_000540.3 (MANE Select); coding-DNA position 10700, C replaced by A.
Protein change: p.Pro3567Gln; replaces proline 3567 with glutamine.
Molecular consequence: missense variant.
Genome position (GRCh38, 1-based): chr19:38,527,660, C>A. VCF-style: chr19-38527660-C-A. GRCh37 (hg19) VCF-style: chr19-39018300-C-A.
Other names: c.10685C>A, p.Pro3562Gln (NM_001042723.2); short protein forms P3562Q, P3567Q.
Identifiers: ClinVar variation 3070704 (VCV003070704.1), dbSNP rs1223196426, ClinGen allele CA405646507.